The following is an entry in ClinVar:

NM_001211.6(BUB1B):c.1433C>G (p.Thr478Ser)

Gene: BUB1B (BUB1 mitotic checkpoint serine/threonine kinase B; plus strand). Cytogenetic location: 15q15.1.
Variant type: single nucleotide variant.
Coding change: c.1433C>G on transcript NM_001211.6 (MANE Select); coding-DNA position 1433, C replaced by G.
Protein change: p.Thr478Ser; replaces threonine 478 with serine.
Molecular consequence: missense variant.
Genome position (GRCh38, 1-based): chr15:40,200,275, C>G. VCF-style: chr15-40200275-C-G. GRCh37 (hg19) VCF-style: chr15-40492476-C-G.
Other names: short protein forms T478S.
Identifiers: ClinVar variation 1772550 (VCV001772550.2), dbSNP rs2037549217, ClinGen allele CA391689755.

ClinVar aggregate classification (germline): Uncertain significance (1 of 4 stars; one submission).

Conditions:
Inborn genetic diseases. Identifiers: MedGen C0950123, MeSH D030342.

Allele frequency attached by ClinVar (database versions not stated): gnomAD exomes below 0.00001.
gnomAD v4.1: 2 of 1,613,646 alleles (0.00012%); highest among the groups gnomAD compares: African/African-American, 0.0027%; no homozygotes.

Submission:

Ambry Genetics
Classification: Uncertain significance for Inborn genetic diseases. Last evaluated: 2021-11-11. Review status: criteria provided, single submitter. Criteria: Ambry Variant Classification Scheme 2023. Collection method: clinical testing. Allele origin: germline.
Comment: The p.T478S variant (also known as c.1433C>G), located in coding exon 11 of the BUB1B gene, results from a C to G substitution at nucleotide position 1433. The threonine at codon 478 is replaced by serine, an amino acid with similar properties. This amino acid position is conserved. In addition, this alteration is predicted to be tolerated by in silico analysis. Since supporting evidence is limited at this time, the clinical significance of this alteration remains unclear.